The following is an entry in ClinVar:

ClinVar aggregate classification (germline): Uncertain significance (1 of 4 stars; one submission).

Submission:

Laboratorio de Genetica e Diagnostico Molecular, Hospital Israelita Albert Einstein
Classification: Uncertain significance. Last evaluated: 2022-03-29. Review status: criteria provided, single submitter. Criteria: ACMG Guidelines, 2015. Collection method: clinical testing. Allele origin: germline. Affected: yes.
Comment: ACMG classification criteria: PM2, PP2

NM_004667.6(HERC2):c.1762A>G (p.Ser588Gly)

Gene: HERC2 (HECT and RLD domain containing E3 ubiquitin protein ligase 2; minus strand). Cytogenetic location: 15q13.1.
Variant type: single nucleotide variant.
Coding change: c.1762A>G on transcript NM_004667.6 (MANE Select); coding-DNA position 1762, A replaced by G.
Protein change: p.Ser588Gly; replaces serine 588 with glycine.
Molecular consequence: missense variant.
Genome position (GRCh38, 1-based): chr15:28,265,726, T>C on the plus strand (A>G on the coding strand, the complement: HERC2 is on the minus strand). VCF-style: chr15-28265726-T-C. GRCh37 (hg19) VCF-style: chr15-28510872-T-C.
Other names: short protein forms S588G.
Identifiers: ClinVar variation 1690590 (VCV001690590.2), dbSNP rs936428475, ClinGen allele CA267939621.